The following is an entry in ClinVar:

ClinVar aggregate classification (germline): Benign/Likely benign. Review status: criteria provided, multiple submitters, no conflicts (2 of 4 stars). 7 submissions from 7 submitters: Benign (1); Likely benign (6). Last evaluated 2025-12-22.

Conditions:
Hereditary nonpolyposis colon cancer (HNPCC). Also called: Hereditary nonpolyposis colorectal cancer; Familial nonpolyposis colon cancer; Hereditary Nonpolyposis Colorectal Cancer Syndrome. Identifiers: Orphanet 443909, MedGen C1333990, MONDO:0018630. Disease mechanism: loss of function.
Hereditary cancer-predisposing syndrome. Also called: Tumor predisposition; Neoplastic Syndromes, Hereditary; Hereditary neoplastic syndrome; Hereditary Cancer Syndrome. Identifiers: Orphanet 140162, MedGen C0027672, MeSH D009386, MONDO:0015356.
Familial cancer of breast. Also called: hereditary breast carcinoma; BREAST CANCER, FAMILIAL; Hereditary breast cancer. Identifiers: Orphanet 227535, MedGen C0346153, MONDO:0016419, OMIM 114480. Disease mechanism: loss of function.

Allele frequency attached by ClinVar (database versions not stated): gnomAD exomes below 0.00001; gnomAD 0.00001.
gnomAD v4.1: 19 of 1,613,574 alleles (0.0012%); highest among the groups gnomAD compares: East Asian, 0.0022%; no homozygotes.

Submissions (7):

Labcorp Genetics (formerly Invitae), Labcorp
Classification: Likely benign for Familial cancer of breast. Last evaluated: 2025-12-22. Review status: criteria provided, single submitter. Criteria: Invitae Variant Classification Sherloc (09022015). Collection method: clinical testing. Allele origin: germline.

Center for Genomic Medicine, Rigshospitalet, Copenhagen University Hospital
Classification: Likely benign. Last evaluated: 2025-03-04. Review status: criteria provided, single submitter. Criteria: ACMG Guidelines, 2015. Collection method: clinical testing. Allele origin: germline.

Myriad Genetics, Inc.
Classification: Benign for Familial cancer of breast. Last evaluated: 2024-10-04. Review status: criteria provided, single submitter. Criteria: Myriad Autosomal Dominant, Autosomal Recessive and X-Linked Classification Criteria (2023). Collection method: clinical testing. Allele origin: unknown.
Comment: This variant is considered benign. This variant is a silent/synonymous amino acid change and it is not expected to impact splicing.

Blueprint Genetics
Classification: Likely benign. Last evaluated: 2023-01-04. Review status: criteria provided, single submitter. Criteria: ACMG Guidelines, 2015. Collection method: clinical testing. Allele origin: germline.

Department of Pathology and Laboratory Medicine, Sinai Health System
Classification: Likely benign for hereditary nonpolyposis colon cancer. Last evaluated: 2021-09-02. Review status: criteria provided, single submitter. Criteria: ACMG Guidelines, 2015. Collection method: clinical testing. Allele origin: germline.

Ambry Genetics
Classification: Likely benign for Hereditary cancer-predisposing syndrome. Last evaluated: 2019-11-05. Review status: criteria provided, single submitter. Criteria: Ambry Variant Classification Scheme 2023. Collection method: clinical testing. Allele origin: germline.

GeneDx
Classification: Likely benign. Last evaluated: 2017-06-30. Review status: criteria provided, single submitter. Criteria: GeneDx Variant Classification (06012015). Collection method: clinical testing. Allele origin: germline. Affected: yes.
Comment: This variant is considered likely benign or benign based on one or more of the following criteria: it is a conservative change, it occurs at a poorly conserved position in the protein, it is predicted to be benign by multiple in silico algorithms, and/or has population frequency not consistent with disease.

NM_007194.4(CHEK2):c.990G>A (p.Gln330=)

Gene: CHEK2 (checkpoint kinase 2; minus strand). Cytogenetic location: 22q12.1.
Variant type: single nucleotide variant.
Coding change: c.990G>A on transcript NM_007194.4 (MANE Select); coding-DNA position 990, G replaced by A.
Protein change: p.Gln330=; no amino-acid change (glutamine 330 retained).
Molecular consequence: synonymous variant.
Genome position (GRCh38, 1-based): chr22:28,699,856, C>T on the plus strand (G>A on the coding strand, the complement: CHEK2 is on the minus strand). VCF-style: chr22-28699856-C-T. GRCh37 (hg19) VCF-style: chr22-29095844-C-T.
Other names: c.1119G>A, p.Gln373= (NM_001005735.3); c.327G>A, p.Gln109= (NM_001257387.3); c.789G>A, p.Gln263= (NM_001349956.3); c.990G>A, p.Gln330= (NM_145862.3).
Identifiers: ClinVar variation 184784 (VCV000184784.22), dbSNP rs9625537, ClinGen allele CA190043.